The following is an entry in ClinVar:

ClinVar aggregate classification (germline): Uncertain significance. Review status: criteria provided, multiple submitters, no conflicts (2 of 4 stars). 2 submissions from 2 submitters: Uncertain significance (2). Last evaluated 2025-05-15.

Conditions:
Hereditary cancer-predisposing syndrome. Also called: Hereditary Cancer Syndrome; Neoplastic Syndromes, Hereditary; Tumor predisposition; Hereditary neoplastic syndrome. Identifiers: Orphanet 140162, MedGen C0027672, MeSH D009386, MONDO:0015356.

Submissions (2):

Ambry Genetics
Classification: Uncertain significance for Hereditary cancer-predisposing syndrome. Last evaluated: 2025-05-15. Review status: criteria provided, single submitter. Criteria: Ambry Variant Classification Scheme 2023. Collection method: clinical testing. Allele origin: germline.
Comment: The p.T913N variant (also known as c.2738C>A), located in coding exon 20 of the MSH3 gene, results from a C to A substitution at nucleotide position 2738. The threonine at codon 913 is replaced by asparagine, an amino acid with similar properties. This amino acid position is conserved. In addition, the in silico prediction for this alteration is inconclusive. Based on the available evidence, the clinical significance of this variant remains unclear.

Labcorp Genetics (formerly Invitae), Labcorp
Classification: Uncertain significance. Last evaluated: 2023-07-11. Review status: criteria provided, single submitter. Criteria: Invitae Variant Classification Sherloc (09022015). Collection method: clinical testing. Allele origin: germline.
Comment: This sequence change replaces threonine, which is neutral and polar, with asparagine, which is neutral and polar, at codon 913 of the MSH3 protein (p.Thr913Asn). This variant is not present in population databases (gnomAD no frequency). This variant has not been reported in the literature in individuals affected with MSH3-related conditions. ClinVar contains an entry for this variant (Variation ID: 1024448). An algorithm developed to predict the effect of missense changes on protein structure and function (PolyPhen-2) suggests that this variant is likely to be tolerated. In summary, the available evidence is currently insufficient to determine the role of this variant in disease. Therefore, it has been classified as a Variant of Uncertain Significance.

NM_002439.5(MSH3):c.2738C>A (p.Thr913Asn)

Gene: MSH3 (mutS homolog 3; plus strand). Cytogenetic location: 5q14.1.
Variant type: single nucleotide variant.
Coding change: c.2738C>A on transcript NM_002439.5 (MANE Select); coding-DNA position 2738, C replaced by A.
Protein change: p.Thr913Asn; replaces threonine 913 with asparagine.
Molecular consequence: missense variant.
Genome position (GRCh38, 1-based): chr5:80,813,666, C>A. VCF-style: chr5-80813666-C-A. GRCh37 (hg19) VCF-style: chr5-80109485-C-A.
Other names: c.2738C>A (NM_002439.3); short protein forms T913N.
Identifiers: ClinVar variation 1024448 (VCV001024448.9), dbSNP rs145977077, ClinGen allele CA360273977.